The following is an entry in ClinVar:

NM_005883.3(APC2):c.935dup (p.Cys313fs)

Gene: APC2 (APC regulator of Wnt signaling pathway 2; plus strand). Cytogenetic location: 19p13.3.
Variant type: Duplication.
Coding change: c.935dup on transcript NM_005883.3 (MANE Select); coding-DNA position 935, one base duplicated (G; older notation c.935dupG).
Protein change: p.Cys313fs; shifts the reading frame from cysteine 313.
Molecular consequence: frameshift variant.
Genome position (GRCh38, 1-based): chr19:1,456,971, G duplicated; the last of 3 consecutive G bases (chr19:1,456,969-1,456,971); duplicating any one gives the same sequence. VCF-style (leftmost placement, unchanged base first): chr19-1456968-C-CG. GRCh37 (hg19) VCF-style: chr19-1456967-C-CG.
Other names: c.932dup, p.Cys312fs (NM_001351273.1); short protein forms C312fs, C313fs.
Identifiers: ClinVar variation 4796569 (VCV004796569.1).

ClinVar aggregate classification (germline): Likely pathogenic (1 of 4 stars; one submission).

Conditions:
Cortical dysplasia, complex, with other brain malformations 10. Identifiers: MedGen C5231458, MONDO:0032866, OMIM 618677.
Intellectual developmental disorder, autosomal recessive 74 (MRT74). Also called: Sotos syndrome 3. Identifiers: MedGen C4310684, MONDO:0014951, OMIM 617169.

Submission:

Juno Genomics, Hangzhou Juno Genomics, Inc
Classification: Likely pathogenic for Cortical dysplasia, complex, with other brain malformations 10; Intellectual developmental disorder, autosomal recessive 74. Review status: criteria provided, single submitter. Criteria: ACMG Guidelines, 2015. Collection method: clinical testing. Allele origin: germline. Affected: yes.
Comment: Absent from controls (or at extremely low frequency if recessive) in Genome Aggregation Database, Exome Sequencing Project, 1000 Genomes Project, or Exome Aggregation Consortium.;Null variant in a gene where loss of function (LOF) is a known mechanism of disease.